The following is an entry in ClinVar:

ClinVar aggregate classification (germline): Uncertain significance. Review status: criteria provided, multiple submitters, no conflicts (2 of 4 stars). 5 submissions from 5 submitters: Uncertain significance (5). Last evaluated 2025-10-07.

Conditions:
Hereditary cancer-predisposing syndrome. Also called: Neoplastic Syndromes, Hereditary; Tumor predisposition; Hereditary Cancer Syndrome; Hereditary neoplastic syndrome. Identifiers: Orphanet 140162, MedGen C0027672, MeSH D009386, MONDO:0015356.

Submissions (5):

Labcorp Genetics (formerly Invitae), Labcorp
Classification: Uncertain significance. Last evaluated: 2025-10-07. Review status: criteria provided, single submitter. Criteria: Invitae Variant Classification Sherloc (09022015). Collection method: clinical testing. Allele origin: germline.
Comment: This variant, c.5093_5095del, results in the deletion of 1 amino acid(s) of the POLE protein (p.Glu1698del), but otherwise preserves the integrity of the reading frame. This variant is not present in population databases (gnomAD no frequency). This variant has not been reported in the literature in individuals affected with POLE-related conditions. Experimental studies and prediction algorithms are not available or were not evaluated, and the functional significance of this variant is currently unknown. In summary, the available evidence is currently insufficient to determine the role of this variant in disease. Therefore, it has been classified as a Variant of Uncertain Significance.

Ambry Genetics
Classification: Uncertain significance for Hereditary cancer-predisposing syndrome. Last evaluated: 2025-03-17. Review status: criteria provided, single submitter. Criteria: Ambry Variant Classification Scheme 2023. Collection method: clinical testing. Allele origin: germline.
Comment: The c.5093_5095delAGG variant (also known as p.E1698del) is located in coding exon 38 of the POLE gene. This variant results from an in-frame AGG deletion at nucleotide positions 5093 to 5095. This results in the in-frame deletion of a glutamic acid at codon 1698. The deleted amino acid position is highly conserved in available vertebrate species. In addition, this alteration is predicted to be deleterious by in silico analysis (Choi Y et al. PLoS ONE. 2012; 7(10):e46688). Based on the available evidence, the clinical significance of this variant remains unclear.

GeneDx
Classification: Uncertain significance. Last evaluated: 2024-04-05. Review status: criteria provided, single submitter. Criteria: GeneDx Variant Classification Process June 2021. Collection method: clinical testing. Allele origin: germline. Affected: yes.
Comment: Not observed at significant frequency in large population cohorts (gnomAD); In-frame deletion of one amino acid in a non-repeat region; In silico analysis supports a deleterious effect on protein structure/function; Has not been previously published as pathogenic or benign to our knowledge

Revvity Omics, Revvity
Classification: Uncertain significance. Last evaluated: 2022-01-05. Review status: criteria provided, single submitter. Criteria: ACMG Guidelines, 2015. Collection method: clinical testing. Allele origin: germline.

Quest Diagnostics Nichols Institute San Juan Capistrano
Classification: Uncertain significance. Last evaluated: 2017-12-13. Review status: criteria provided, single submitter. Criteria: Quest Diagnostics criteria. Collection method: clinical testing. Allele origin: germline.

NM_006231.4(POLE):c.5090AGG[1] (p.Glu1698del)

Gene: POLE (DNA polymerase epsilon, catalytic subunit; minus strand). Cytogenetic location: 12q24.33.
Variant type: Microsatellite.
Coding change: c.5090AGG[1] on transcript NM_006231.4 (MANE Select); one copy of the 3-base unit AGG starting at c.5090; the reference has two copies in a row; one copy, 3 bases deleted; also written c.5093_5095del.
Protein change: p.Glu1698del; deletes glutamic acid 1698.
Molecular consequence: inframe deletion.
Genome position (GRCh38, 1-based): chr12:132,642,255-132,642,257, CCT deleted on the plus strand (AGG on the coding strand, the reverse complement: POLE is on the minus strand); deleting any 3 consecutive bases within chr12:132,642,255-132,642,260 gives the same sequence; the position shown is the placement nearest the transcript's 3' end. VCF-style (leftmost placement, unchanged base first): chr12-132642254-GCCT-G. GRCh37 (hg19) VCF-style: chr12-133218840-GCCT-G.
Other names: c.5093_5095delAGG (NM_006231.3); c.5093_5095del (NM_006231.4, NM_006231.2); short protein forms E1698del.
Identifiers: ClinVar variation 484481 (VCV000484481.19), dbSNP rs1555222471, ClinGen allele CA658658212.